The following is an entry in ClinVar:

NM_002834.5(PTPN11):c.860A>C (p.His287Pro)

Gene: PTPN11 (protein tyrosine phosphatase non-receptor type 11; plus strand). Cytogenetic location: 12q24.13.
Variant type: single nucleotide variant.
Coding change: c.860A>C on transcript NM_002834.5 (MANE Select); coding-DNA position 860, A replaced by C.
Protein change: p.His287Pro; replaces histidine 287 with proline.
Molecular consequence: missense variant.
Genome position (GRCh38, 1-based): chr12:112,477,657, A>C. VCF-style: chr12-112477657-A-C. GRCh37 (hg19) VCF-style: chr12-112915461-A-C.
Other names: c.860A>C, p.His287Pro (NM_001330437.2, NM_080601.3); c.857A>C, p.His286Pro (NM_001374625.1); short protein forms H286P, H287P.
Identifiers: ClinVar variation 1327572 (VCV001327572.13), dbSNP rs2038527071, ClinGen allele CA386790444.

ClinVar aggregate classification (germline): Uncertain significance. Review status: criteria provided, multiple submitters, no conflicts (2 of 4 stars). 3 submissions from 3 submitters: Uncertain significance (3). Last evaluated 2025-06-09.

Conditions:
Noonan syndrome (NS). Also called: Noonan's syndrome. Identifiers: Orphanet 648, MedGen C0028326, MeSH D009634, MONDO:0018997. Disease mechanism: gain of function.
RASopathy. Also called: Noonan spectrum disorder; rasopathies. Identifiers: Orphanet 536391, MedGen C5555857, MONDO:0021060.

Allele frequency attached by ClinVar (database versions not stated): gnomAD exomes below 0.00001; gnomAD 0.00001.
gnomAD v4.1: 2 of 1,611,036 alleles (0.00012%); highest among the groups gnomAD compares: African/African-American, 0.0013%; no homozygotes.

Submissions (3):

Dasa
Classification: Uncertain significance. Last evaluated: 2025-06-09. Review status: criteria provided, single submitter. Criteria: DASA Assertion Criteria. Collection method: clinical testing. Allele origin: germline.
Comment: NM_002834.5(PTPN11):c.860A>C (p.His287Pro) is a missense variant that results in the substitution of histidine with proline. This variant is rare in population databases. Computational prediction algorithms are consistent with a deleterious effect. The currently available literature and clinical evidence are not sufficient to establish a definitive association between this variant and the reported condition. Therefore, this variant is classified as a variant of uncertain significance.

St. Jude Molecular Pathology, St. Jude Children's Research Hospital
Classification: Uncertain significance for Noonan syndrome. Last evaluated: 2021-11-17. Review status: criteria provided, single submitter. Criteria: St. Jude Assertion Criteria 2020. Collection method: clinical testing. Allele origin: germline.
Comment: The PTPN11 c.860A>C (p.His287Pro) missense change is absent in gnomAD v2.1.1 (PM2). This variant occurs in a gene where missense variants are a common mechanism of disease (PP2). Seven of seven in silico tools predict a deleterious effect of this variant on protein function (PP3), but to our knowledge these predictions have not been confirmed by functional assays. To our knowledge, this variant has not been reported in individuals with RASopathy conditions. In summary, this variant meets criteria to be classified as of uncertain significance based on the ACMG/AMP criteria, as specified by the RASopathy Variant Curation Expert Panel (PMID:29493581): PM2, PP2, PP3.

Labcorp Genetics (formerly Invitae), Labcorp
Classification: Uncertain significance for RASopathy. Last evaluated: 2021-03-25. Review status: criteria provided, single submitter. Criteria: Invitae Variant Classification Sherloc (09022015). Collection method: clinical testing. Allele origin: germline.
Comment: This variant is not present in population databases (ExAC no frequency). This variant has not been reported in the literature in individuals with PTPN11-related conditions. Advanced modeling of protein sequence and biophysical properties (such as structural, functional, and spatial information, amino acid conservation, physicochemical variation, residue mobility, and thermodynamic stability) performed at Invitae indicates that this missense variant is expected to disrupt PTPN11 protein function. In summary, the available evidence is currently insufficient to determine the role of this variant in disease. Therefore, it has been classified as a Variant of Uncertain Significance. This sequence change replaces histidine with proline at codon 287 of the PTPN11 protein (p.His287Pro). The histidine residue is highly conserved and there is a moderate physicochemical difference between histidine and proline.